The following is an entry in ClinVar:

ClinVar aggregate classification (germline): Uncertain significance (1 of 4 stars; one submission).

Allele frequency attached by ClinVar (database versions not stated): gnomAD 0.00001; TOPMed 0.00002.
gnomAD v4.1: 5 of 1,605,670 alleles (0.00031%); highest among the groups gnomAD compares: South Asian, 0.0011%; no homozygotes.

Submission:

Labcorp Genetics (formerly Invitae), Labcorp
Classification: Uncertain significance. Last evaluated: 2024-01-02. Review status: criteria provided, single submitter. Criteria: Invitae Variant Classification Sherloc (09022015). Collection method: clinical testing. Allele origin: germline.
Comment: This sequence change replaces serine, which is neutral and polar, with leucine, which is neutral and non-polar, at codon 996 of the TBCD protein (p.Ser996Leu). The frequency data for this variant in the population databases is considered unreliable, as metrics indicate poor data quality at this position in the gnomAD database. This variant has not been reported in the literature in individuals affected with TBCD-related conditions. ClinVar contains an entry for this variant (Variation ID: 2090353). Advanced modeling of protein sequence and biophysical properties (such as structural, functional, and spatial information, amino acid conservation, physicochemical variation, residue mobility, and thermodynamic stability) has been performed at Invitae for this missense variant, however the output from this modeling did not meet the statistical confidence thresholds required to predict the impact of this variant on TBCD protein function. In summary, the available evidence is currently insufficient to determine the role of this variant in disease. Therefore, it has been classified as a Variant of Uncertain Significance.

NM_005993.5(TBCD):c.2987C>T (p.Ser996Leu)

Gene: TBCD (tubulin folding cofactor D). Cytogenetic location: 17q25.3.
Variant type: single nucleotide variant.
Coding change: c.2987C>T on transcript NM_005993.5 (MANE Select); coding-DNA position 2987, C replaced by T.
Protein change: p.Ser996Leu; replaces serine 996 with leucine.
Molecular consequence: missense variant.
Genome position (GRCh38, 1-based): chr17:82,929,496, C>T. VCF-style: chr17-82929496-C-T. GRCh37 (hg19) VCF-style: chr17-80887372-C-T.
Other names: c.2936C>T, p.Ser979Leu (NM_001411101.1); c.2906C>T, p.Ser969Leu (NM_001411102.1); short protein forms S996L, S969L, S979L.
Identifiers: ClinVar variation 2090353 (VCV002090353.4), dbSNP rs960069159, ClinGen allele CA295301610.